The following is an entry in ClinVar:

ClinVar aggregate classification (germline): Benign/Likely benign. Review status: criteria provided, multiple submitters, no conflicts (2 of 4 stars). 3 submissions from 3 submitters: Benign (2); Likely benign (1). Last evaluated 2018-06-18.

Allele frequency attached by ClinVar (database versions not stated): 1000 Genomes Project 30x 0.27374; 1000 Genomes Project 0.27476; gnomAD 0.31273 and 0.31605; TOPMed 0.31374; gnomAD exomes 0.34596.
gnomAD v4.1: 539,056 of 1,574,990 alleles (34%); highest among the groups gnomAD compares: Non-Finnish European, 37%; 95,162 homozygotes.

Submissions (3):

GeneDx
Classification: Benign. Last evaluated: 2018-06-18. Review status: criteria provided, single submitter. Criteria: GeneDx Variant Classification (06012015). Collection method: clinical testing. Allele origin: germline. Affected: yes.
Comment: This variant is considered likely benign or benign based on one or more of the following criteria: it is a conservative change, it occurs at a poorly conserved position in the protein, it is predicted to be benign by multiple in silico algorithms, and/or has population frequency not consistent with disease.

Blueprint Genetics
Classification: Likely benign. Last evaluated: 2018-06-15. Review status: criteria provided, single submitter. Criteria: ACMG Guidelines, 2015. Collection method: clinical testing. Allele origin: germline.

Breakthrough Genomics
Classification: Benign. Review status: criteria provided, single submitter. Criteria: ACMG Guidelines, 2015. Collection method: not provided. Allele origin: germline. Inheritance: Autosomal dominant inheritance. Affected: yes.

NM_000268.4(NF2):c.1737+1623T>C

Gene: NF2 (NF2, moesin-ezrin-radixin like (MERLIN) tumor suppressor; plus strand). Cytogenetic location: 22q12.2.
Variant type: single nucleotide variant.
Coding change: c.1737+1623T>C on transcript NM_000268.4 (MANE Select); 1623 bases into the intron after coding-DNA position 1737, T replaced by C.
Molecular consequence: intron variant. On other transcripts: 3 prime UTR variant (1).
Genome position (GRCh38, 1-based): chr22:29,683,224, T>C. VCF-style: chr22-29683224-T-C. GRCh37 (hg19) VCF-style: chr22-30079213-T-C.
Other names: c.*169T>C (NM_181825.3); c.*9+160T>C (NM_016418.5, NM_181829.3, NM_181828.3 and 2 more transcripts); c.*24+145T>C (NM_181832.3); c.448-11528T>C (NM_181833.3).
Identifiers: ClinVar variation 676991 (VCV000676991.3), dbSNP rs7291645, ClinGen allele CA14950082.